The following is an entry in ClinVar:

NM_198252.3(GSN):c.272G>A (p.Arg91Gln)

Gene: GSN (gelsolin; plus strand). Cytogenetic location: 9q33.2.
Variant type: single nucleotide variant.
Coding change: c.272G>A on transcript NM_198252.3 (MANE Select); coding-DNA position 272, G replaced by A.
Protein change: p.Arg91Gln; replaces arginine 91 with glutamine.
Molecular consequence: missense variant. On other transcripts: 5 prime UTR variant (1).
Genome position (GRCh38, 1-based): chr9:121,302,986, G>A. VCF-style: chr9-121302986-G-A. GRCh37 (hg19) VCF-style: chr9-124065264-G-A.
Other names: c.305G>A, p.Arg102Gln (NM_001353072.2, NM_001353073.2, NM_001353074.2 and 13 more transcripts); c.344G>A, p.Arg115Gln (NM_001353076.2); c.-383G>A (NM_001353078.2); c.425G>A, p.Arg142Gln (NM_000177.5); c.272G>A, p.Arg91Gln (NM_001127662.2, NM_001127664.2, NM_001127665.2 and 10 more transcripts); c.380G>A, p.Arg127Gln (NM_001127663.2); c.323G>A, p.Arg108Gln (NM_001258029.2); c.296G>A, p.Arg99Gln (NM_001258030.2); short protein forms R102Q, R108Q, R91Q, R127Q, R99Q, R115Q, R142Q.
Identifiers: ClinVar variation 1513212 (VCV001513212.12), dbSNP rs138153246, ClinGen allele CA5220825.

ClinVar aggregate classification (germline): Uncertain significance. Review status: criteria provided, multiple submitters, no conflicts (2 of 4 stars). 3 submissions from 3 submitters: Uncertain significance (3). Last evaluated 2026-07-08.

Conditions:
Finnish type amyloidosis. Also called: Lattice corneal dystrophy associated with familial systemic amyloidosis; Meretoja's syndrome; Lattice dystrophy of the cornea with hereditary generalized amyloidosis; Amyloidosis, familial, Finnish type; Meretoja type amyloidosis; Amyloidosis 5. Identifiers: Orphanet 85448, MedGen C1622345, MONDO:0007097, OMIM 105120.
Inborn genetic diseases. Identifiers: MedGen C0950123, MeSH D030342.

gnomAD v4.1: 32 of 1,613,752 alleles (0.002%); highest among the groups gnomAD compares: African/African-American, 0.0067%; no homozygotes.

Submissions (3):

Ambry Genetics
Classification: Uncertain significance for Inborn genetic diseases. Last evaluated: 2026-07-08. Review status: criteria provided, single submitter. Criteria: Ambry Variant Classification Scheme 2023. Collection method: clinical testing. Allele origin: germline.

Labcorp Genetics (formerly Invitae), Labcorp
Classification: Uncertain significance. Last evaluated: 2024-09-24. Review status: criteria provided, single submitter. Criteria: Invitae Variant Classification Sherloc (09022015). Collection method: clinical testing. Allele origin: germline.
Comment: This sequence change replaces arginine, which is basic and polar, with glutamine, which is neutral and polar, at codon 142 of the GSN protein (p.Arg142Gln). This variant is present in population databases (rs138153246, gnomAD 0.006%). This variant has not been reported in the literature in individuals affected with GSN-related conditions. ClinVar contains an entry for this variant (Variation ID: 1513212). An algorithm developed to predict the effect of missense changes on protein structure and function (PolyPhen-2) suggests that this variant is likely to be tolerated. In summary, the available evidence is currently insufficient to determine the role of this variant in disease. Therefore, it has been classified as a Variant of Uncertain Significance.

Fulgent Genetics
Classification: Uncertain significance for Finnish type amyloidosis. Last evaluated: 2021-11-30. Review status: criteria provided, single submitter. Criteria: ACMG Guidelines, 2015. Collection method: clinical testing. Allele origin: unknown.